The following is an entry in ClinVar:

ClinVar aggregate classification (germline): Uncertain significance (1 of 4 stars; one submission).

Submission:

CeGaT Center for Human Genetics Tuebingen
Classification: Uncertain significance. Last evaluated: 2025-03-01. Review status: criteria provided, single submitter. Criteria: CeGaT Center For Human Genetics Tuebingen Variant Classification Criteria Version 2. Collection method: clinical testing. Allele origin: germline. Affected: yes. Observed: 1 variant allele.
Comment: SPTBN1: PM2

NM_003128.3(SPTBN1):c.3784G>C (p.Glu1262Gln)

Gene: SPTBN1 (spectrin beta, non-erythrocytic 1; plus strand). Cytogenetic location: 2p16.2.
Variant type: single nucleotide variant.
Coding change: c.3784G>C on transcript NM_003128.3 (MANE Select); coding-DNA position 3784, G replaced by C.
Protein change: p.Glu1262Gln; replaces glutamic acid 1262 with glutamine.
Molecular consequence: missense variant.
Genome position (GRCh38, 1-based): chr2:54,637,729, G>C. VCF-style: chr2-54637729-G-C. GRCh37 (hg19) VCF-style: chr2-54864866-G-C.
Other names: c.3745G>C, p.Glu1249Gln (NM_178313.3); short protein forms E1249Q, E1262Q.
Identifiers: ClinVar variation 3778513 (VCV003778513.7).